The following is an entry in ClinVar:

ClinVar aggregate classification (germline): Uncertain significance. Review status: criteria provided, multiple submitters, no conflicts (2 of 4 stars). 3 submissions from 3 submitters: Uncertain significance (2). 1 of the submissions does not count toward it. Last evaluated 2026-04-01.

Conditions:
Polycystic kidney disease 4 (PKD4). Also called: POLYCYSTIC KIDNEY AND HEPATIC DISEASE 1; POLYCYSTIC KIDNEY DISEASE, INFANTILE, TYPE I; POLYCYSTIC KIDNEY DISEASE 4 WITH OR WITHOUT POLYCYSTIC LIVER DISEASE; Autosomal Recessive Polycystic Kidney Disease – PKHD1; PKD3. Identifiers: MedGen C4540575, MONDO:0033004, OMIM 263200.

Allele frequency attached by ClinVar (database versions not stated): gnomAD 0.00003; gnomAD exomes 0.00003; TOPMed 0.00003; ExAC 0.00004; ESP Exome Variant Server 0.00015.
gnomAD v4.1: 42 of 1,612,718 alleles (0.0026%); highest among the groups gnomAD compares: Non-Finnish European, 0.0035%; no homozygotes.

Submissions (3):

CeGaT Center for Human Genetics Tuebingen
Classification: Uncertain significance. Last evaluated: 2026-04-01. Review status: criteria provided, single submitter. Criteria: CeGaT Center For Human Genetics Tuebingen Variant Classification Criteria Version 2. Collection method: clinical testing. Allele origin: germline. Affected: yes. Observed: 1 variant allele.
Comment: PKHD1: PM2:Supporting

Fulgent Genetics
Classification: Uncertain significance for Polycystic kidney disease 4. Last evaluated: 2024-06-03. Review status: criteria provided, single submitter. Criteria: ACMG Guidelines, 2015. Collection method: clinical testing. Allele origin: germline.

Counsyl
Classification: Uncertain significance for Polycystic kidney disease 4. Last evaluated: 2017-04-03. Review status: no assertion criteria provided. Collection method: clinical testing. Allele origin: unknown. Not counted in ClinVar's aggregate classification.

Literature cited by the submitters: PubMed 27225849 (cited by Counsyl).

NM_138694.4(PKHD1):c.7582G>A (p.Asp2528Asn)

Gene: PKHD1 (PKHD1 ciliary IPT domain containing fibrocystin/polyductin; minus strand). Cytogenetic location: 6p12.2.
Variant type: single nucleotide variant.
Coding change: c.7582G>A on transcript NM_138694.4 (MANE Select); coding-DNA position 7582, G replaced by A.
Protein change: p.Asp2528Asn; replaces aspartic acid 2528 with asparagine.
Molecular consequence: missense variant.
Genome position (GRCh38, 1-based): chr6:51,868,014, C>T on the plus strand (G>A on the coding strand, the complement: PKHD1 is on the minus strand). VCF-style: chr6-51868014-C-T. GRCh37 (hg19) VCF-style: chr6-51732812-C-T.
Other names: c.7582G>A, p.Asp2528Asn (NM_170724.3); short protein forms D2528N.
Identifiers: ClinVar variation 551304 (VCV000551304.5), dbSNP rs142487082, ClinGen allele CA3851894.